The following is an entry in ClinVar:

ClinVar aggregate classification (germline): Pathogenic (1 of 4 stars; one submission).

Conditions:
Inborn genetic diseases. Identifiers: MedGen C0950123, MeSH D030342.

Submission:

Ambry Genetics
Classification: Pathogenic for Inborn genetic diseases. Last evaluated: 2015-04-14. Review status: criteria provided, single submitter. Criteria: Ambry Variant Classification Scheme 2023. Collection method: clinical testing. Allele origin: germline.
Comment: The p.Q205* variant (also known as c.613C>T) located in coding exon 4 of the SBDS gene, results from a C to T substitution at nucleotide position 613. This changes the amino acid from a glutamine to a stop codon within coding exon 4. This variant was not reported in population based cohorts in the following databases: Database of Single Nucleotide Polymorphisms (dbSNP), NHLBI Exome Sequencing Project (ESP), and 1000 Genomes Project. In the ESP, this variant was not observed in 6503 samples (13006 alleles) with coverage at this position. This amino acid position is conserved on limited sequence alignment. Since premature stop codons are typically deleterious in nature, this alteration is interpreted as a disease-causing mutation (ACMG Recommendations for Standards for Interpretation and Reporting of Sequence Variations. Revision 2007. Genet Med. 2008;10:294).

NM_016038.4(SBDS):c.613C>T (p.Gln205Ter)

Gene: SBDS (SBDS ribosome maturation factor; minus strand). Cytogenetic location: 7q11.21.
Variant type: single nucleotide variant.
Coding change: c.613C>T on transcript NM_016038.4 (MANE Select); coding-DNA position 613, C replaced by T.
Protein change: p.Gln205Ter; replaces glutamine 205 with a stop codon.
Molecular consequence: nonsense.
Genome position (GRCh38, 1-based): chr7:66,991,148, G>A on the plus strand (C>T on the coding strand, the complement: SBDS is on the minus strand). VCF-style: chr7-66991148-G-A. GRCh37 (hg19) VCF-style: chr7-66456135-G-A.
Other names: short protein forms Q205*.
Identifiers: ClinVar variation 1751823 (VCV001751823.2), dbSNP rs2536926049, ClinGen allele CA367645765.